The following is an entry in ClinVar:

NM_000257.4(MYH7):c.469A>C (p.Ile157Leu)

Gene: MYH7 (myosin heavy chain 7; minus strand). Cytogenetic location: 14q11.2.
Variant type: single nucleotide variant.
Coding change: c.469A>C on transcript NM_000257.4 (MANE Select); coding-DNA position 469, A replaced by C.
Protein change: p.Ile157Leu; replaces isoleucine 157 with leucine.
Molecular consequence: missense variant.
Genome position (GRCh38, 1-based): chr14:23,432,672, T>G on the plus strand (A>C on the coding strand, the complement: MYH7 is on the minus strand). VCF-style: chr14-23432672-T-G. GRCh37 (hg19) VCF-style: chr14-23901881-T-G.
Other names: c.469A>C, p.Ile157Leu (NM_001407004.1); short protein forms I157L.
Identifiers: ClinVar variation 3387360 (VCV003387360.1).

ClinVar aggregate classification (germline): Uncertain significance (1 of 4 stars; one submission).

Conditions:
Cardiomyopathy (CMYO). Also called: Cardiomyopathies. Identifiers: Orphanet 167848, MedGen C0878544, MONDO:0004994, HP:0001638. Inheritance: Various modes of inheritance.

gnomAD v4.1: 3 of 1,613,928 alleles (0.00019%); highest among the groups gnomAD compares: Non-Finnish European, 0.00025%; no homozygotes.

Submission:

All of Us Research Program, National Institutes of Health
Classification: Uncertain significance for Cardiomyopathy. Last evaluated: 2024-08-23. Review status: criteria provided, single submitter. Criteria: ACMG Guidelines, 2015. Collection method: clinical testing. Allele origin: germline. Inheritance: Autosomal dominant inheritance. Observed: 1 variant allele, 1 heterozygote.
Comment: This missense variant replaces isoleucine with leucine at codon 157 of the MYH7 protein. Computational prediction tools indicate that this variant has a deleterious impact on protein structure and function. To our knowledge, functional studies have not been reported for this variant. This variant has not been reported in individuals affected with MYH7-related disorders in the literature. This variant has not been identified in the general population by the Genome Aggregation Database (gnomAD). The available evidence is insufficient to determine the role of this variant in disease conclusively. Therefore, this variant is classified as a Variant of Uncertain Significance.

This study involves interpretation of variants in research participants for the purpose of population health screening. Participant phenotype was not available at the time of variant classification. Additional details can be found in publication PMID: 35346344, PMCID: PMC8962531